The following is an entry in ClinVar:

ClinVar aggregate classification (germline): Uncertain significance (1 of 4 stars; one submission).

Allele frequency attached by ClinVar (database versions not stated): ExAC 0.00001; gnomAD 0.00003; TOPMed 0.00003; gnomAD exomes 0.00004; ESP Exome Variant Server 0.00008.

Submission:

Labcorp Genetics (formerly Invitae), Labcorp
Classification: Uncertain significance. Last evaluated: 2022-03-31. Review status: criteria provided, single submitter. Criteria: Invitae Variant Classification Sherloc (09022015). Collection method: clinical testing. Allele origin: germline.
Comment: This variant, c.2410_2412del, results in the deletion of 1 amino acid(s) of the TRIM37 protein (p.Gly804del), but otherwise preserves the integrity of the reading frame. This variant is present in population databases (rs769250102, gnomAD 0.003%). This variant has not been reported in the literature in individuals affected with TRIM37-related conditions. Experimental studies and prediction algorithms are not available or were not evaluated, and the functional significance of this variant is currently unknown. In summary, the available evidence is currently insufficient to determine the role of this variant in disease. Therefore, it has been classified as a Variant of Uncertain Significance.

NM_015294.6(TRIM37):c.2410_2412del (p.Gly804del)

Gene: TRIM37 (tripartite motif containing 37; minus strand). Cytogenetic location: 17q22.
Variant type: Deletion.
Coding change: c.2410_2412del on transcript NM_015294.6 (MANE Select); coding-DNA positions 2410 to 2412, 3 bases deleted (GGG; older notation c.2410_2412delGGG).
Protein change: p.Gly804del; deletes glycine 804.
Molecular consequence: inframe deletion. On other transcripts: non-coding transcript variant (2).
Genome position (GRCh38, 1-based): chr17:59,015,774-59,015,776, CCC deleted on the plus strand (GGG on the coding strand, the reverse complement: TRIM37 is on the minus strand). VCF-style (leftmost placement, unchanged base first): chr17-59015773-TCCC-T. GRCh37 (hg19) VCF-style: chr17-57093134-TCCC-T.
Other names: c.2410_2412del, p.Gly804del (NM_001005207.5, NM_001320988.3, NM_001320989.3 and 1 more transcripts); c.2308_2310del, p.Gly770del (NM_001320987.3, NM_001353082.2); c.2044_2046del, p.Gly682del (NM_001320990.3); c.1675_1677del, p.Gly559del (NM_001353083.2); c.1948_1950del, p.Gly650del (NM_001353085.2); c.2359_2361del, p.Gly787del (NM_001353086.2); short protein forms G559del, G650del, G787del, G804del, G770del, G682del.
Identifiers: ClinVar variation 2201264 (VCV002201264.1), dbSNP rs769250102, ClinGen allele CA8678042.